The following is an entry in ClinVar:

NM_000138.5(FBN1):c.3856del (p.Asp1285_Leu1286insTer)

Gene: FBN1 (fibrillin 1; minus strand). Cytogenetic location: 15q21.1.
Variant type: Deletion.
Coding change: c.3856del on transcript NM_000138.5 (MANE Select); coding-DNA position 3856, one base deleted (C; older notation c.3856delC).
Protein change: p.Asp1285_Leu1286insTer.
Molecular consequence: nonsense.
Genome position (GRCh38, 1-based): chr15:48,481,763, G deleted on the plus strand (C on the coding strand, the reverse complement: FBN1 is on the minus strand); the first of 2 consecutive G bases (chr15:48,481,763-48,481,764); deleting either gives the same sequence. VCF-style (leftmost placement, unchanged base first): chr15-48481762-AG-A. GRCh37 (hg19) VCF-style: chr15-48773959-AG-A.
Other names: c.3856delC (NM_000138.4).
Identifiers: ClinVar variation 439716 (VCV000439716.11), dbSNP rs1555398170, ClinGen allele CA645509190.

ClinVar aggregate classification (germline): Pathogenic. Review status: criteria provided, multiple submitters, no conflicts (2 of 4 stars). 2 submissions from 2 submitters: Pathogenic (2). Last evaluated 2019-06-28.

Conditions:
Progeroid and marfanoid aspect-lipodystrophy syndrome. Also called: Marfan lipodystrophy syndrome; MARFANOID-PROGEROID-LIPODYSTROPHY SYNDROME; MARFANOID-PROGEROID SYNDROME; MARFAN-PROGEROID-LIPODYSTROPHY SYNDROME. Identifiers: Orphanet 300382, MedGen C4310796, MONDO:0014831, OMIM 616914.

Submissions (2):

Centre for Mendelian Genomics, University Medical Centre Ljubljana
Classification: Pathogenic for Progeroid and marfanoid aspect-lipodystrophy syndrome. Last evaluated: 2019-06-28. Review status: criteria provided, single submitter. Criteria: ACMG Guidelines, 2015. Collection method: clinical testing. Allele origin: unknown. Affected: yes.
Comment: This variant was classified as: Pathogenic. The following ACMG criteria were applied in classifying this variant: PVS1,PM2,PP4.

ARUP Laboratories, Molecular Genetics and Genomics, ARUP Laboratories
Classification: Pathogenic. Last evaluated: 2017-01-25. Review status: criteria provided, single submitter. Criteria: ARUP Molecular Germline Variant Investigation Process. Collection method: clinical testing. Allele origin: germline.